The following is an entry in ClinVar:

NM_005732.4(RAD50):c.304T>G (p.Cys102Gly)

Gene: RAD50 (RAD50 double strand break repair protein; plus strand). Cytogenetic location: 5q31.1.
Variant type: single nucleotide variant.
Coding change: c.304T>G on transcript NM_005732.4 (MANE Select); coding-DNA position 304, T replaced by G.
Protein change: p.Cys102Gly; replaces cysteine 102 with glycine.
Molecular consequence: missense variant.
Genome position (GRCh38, 1-based): chr5:132,575,867, T>G. VCF-style: chr5-132575867-T-G. GRCh37 (hg19) VCF-style: chr5-131911559-T-G.
Other names: c.304T>G (NM_005732.3); short protein forms C102G.
Identifiers: ClinVar variation 1520862 (VCV001520862.7), dbSNP rs876658824, ClinGen allele CA360931009.

ClinVar aggregate classification (germline): Uncertain significance. Review status: criteria provided, multiple submitters, no conflicts (2 of 4 stars). 2 submissions from 2 submitters: Uncertain significance (2). Last evaluated 2023-06-26.

Conditions:
Hereditary cancer-predisposing syndrome. Also called: Hereditary neoplastic syndrome; Hereditary Cancer Syndrome; Tumor predisposition; Neoplastic Syndromes, Hereditary. Identifiers: Orphanet 140162, MedGen C0027672, MeSH D009386, MONDO:0015356.

Submissions (2):

Ambry Genetics
Classification: Uncertain significance for Hereditary cancer-predisposing syndrome. Last evaluated: 2023-06-26. Review status: criteria provided, single submitter. Criteria: Ambry Variant Classification Scheme 2023. Collection method: clinical testing. Allele origin: germline.
Comment: The c.304T>G variant (also known as p.C102G), located in coding exon 3 of the RAD50 gene, results from a T to G substitution at nucleotide position 304. The cysteine at codon 102 is replaced by glycine, an amino acid with highly dissimilar properties. This nucleotide position is highly conserved in available vertebrate species. In silico splice site analysis predicts that this alteration will result in the creation or strengthening of a novel splice donor site; however, direct evidence is insufficient at this time (Ambry internal data). Since supporting evidence is limited at this time, the clinical significance of this alteration remains unclear.

Labcorp Genetics (formerly Invitae), Labcorp
Classification: Uncertain significance for Hereditary cancer-predisposing syndrome. Last evaluated: 2021-10-25. Review status: criteria provided, single submitter. Criteria: Invitae Variant Classification Sherloc (09022015). Collection method: clinical testing. Allele origin: germline.
Comment: This sequence change replaces cysteine with glycine at codon 102 of the RAD50 protein (p.Cys102Gly). The cysteine residue is moderately conserved and there is a large physicochemical difference between cysteine and glycine. This variant is not present in population databases (ExAC no frequency). This variant has not been reported in the literature in individuals affected with RAD50-related conditions. Algorithms developed to predict the effect of missense changes on protein structure and function are either unavailable or do not agree on the potential impact of this missense change (SIFT: "Deleterious"; PolyPhen-2: "Benign"; Align-GVGD: "Class C0"). In summary, the available evidence is currently insufficient to determine the role of this variant in disease. Therefore, it has been classified as a Variant of Uncertain Significance.